The following is an entry in ClinVar:

ClinVar aggregate classification (germline): Uncertain significance (1 of 4 stars; one submission).

Submission:

Labcorp Genetics (formerly Invitae), Labcorp
Classification: Uncertain significance. Last evaluated: 2022-09-27. Review status: criteria provided, single submitter. Criteria: Invitae Variant Classification Sherloc (09022015). Collection method: clinical testing. Allele origin: germline.
Comment: This sequence change replaces proline, which is neutral and non-polar, with threonine, which is neutral and polar, at codon 92 of the MRPS34 protein (p.Pro92Thr). In summary, the available evidence is currently insufficient to determine the role of this variant in disease. Therefore, it has been classified as a Variant of Uncertain Significance. Algorithms developed to predict the effect of missense changes on protein structure and function (SIFT, PolyPhen-2, Align-GVGD) all suggest that this variant is likely to be disruptive. This variant has not been reported in the literature in individuals affected with MRPS34-related conditions. This variant is not present in population databases (gnomAD no frequency).

NM_023936.2(MRPS34):c.274C>A (p.Pro92Thr)

Genes: EME2 (essential meiotic structure-specific endonuclease subunit 2; plus strand), MRPS34 (mitochondrial ribosomal protein S34; minus strand), LOC130058183 (ATAC-STARR-seq lymphoblastoid silent region 7002; plus strand). Cytogenetic location: 16p13.3.
Variant type: single nucleotide variant.
Coding change: c.274C>A on transcript NM_023936.2 (MANE Select); coding-DNA position 274, C replaced by A.
Protein change: p.Pro92Thr; replaces proline 92 with threonine.
Molecular consequence: missense variant. On other transcripts: 5 prime UTR variant (1).
Genome position (GRCh38, 1-based): chr16:1,772,846, G>T on the plus strand (C>A on the coding strand, the complement: MRPS34 is on the minus strand). VCF-style: chr16-1772846-G-T. GRCh37 (hg19) VCF-style: chr16-1822847-G-T.
Other names: c.-382G>T (NM_001257370.2); c.274C>A, p.Pro92Thr (NM_001300900.2); short protein forms P92T.
Identifiers: ClinVar variation 2121797 (VCV002121797.4), dbSNP rs2548134297, ClinGen allele CA394243909.